The following is an entry in ClinVar:

ClinVar aggregate classification (germline): Uncertain significance (1 of 4 stars; one submission).

Conditions:
Tuberous sclerosis 1 (TSC1). Identifiers: Orphanet 805, MedGen C1854465, MONDO:0008612, OMIM 191100.

Submission:

Labcorp Genetics (formerly Invitae), Labcorp
Classification: Uncertain significance for Tuberous sclerosis 1. Last evaluated: 2021-11-24. Review status: criteria provided, single submitter. Criteria: Invitae Variant Classification Sherloc (09022015). Collection method: clinical testing. Allele origin: germline.
Comment: This sequence change replaces threonine, which is neutral and polar, with arginine, which is basic and polar, at codon 314 of the TSC1 protein (p.Thr314Arg). This variant is not present in population databases (gnomAD no frequency). This variant has not been reported in the literature in individuals affected with TSC1-related conditions. Algorithms developed to predict the effect of missense changes on protein structure and function (SIFT, PolyPhen-2, Align-GVGD) all suggest that this variant is likely to be tolerated. Algorithms developed to predict the effect of sequence changes on RNA splicing suggest that this variant may create or strengthen a splice site. In summary, the available evidence is currently insufficient to determine the role of this variant in disease. Therefore, it has been classified as a Variant of Uncertain Significance.

NM_000368.5(TSC1):c.941C>G (p.Thr314Arg)

Gene: TSC1 (TSC complex subunit 1; minus strand). Cytogenetic location: 9q34.13.
Variant type: single nucleotide variant.
Coding change: c.941C>G on transcript NM_000368.5 (MANE Select); coding-DNA position 941, C replaced by G.
Protein change: p.Thr314Arg; replaces threonine 314 with arginine.
Molecular consequence: missense variant.
Genome position (GRCh38, 1-based): chr9:132,911,541, G>C on the plus strand (C>G on the coding strand, the complement: TSC1 is on the minus strand). VCF-style: chr9-132911541-G-C. GRCh37 (hg19) VCF-style: chr9-135786928-G-C.
Other names: c.788C>G, p.Thr263Arg (NM_001406611.1, NM_001406612.1, NM_001406613.1 and 2 more transcripts); c.578C>G, p.Thr193Arg (NM_001406614.1, NM_001406615.1, NM_001406616.1 and 10 more transcripts); c.941C>G, p.Thr314Arg (NM_001162426.2, NM_001406592.1, NM_001406593.1 and 16 more transcripts); c.-11C>G (NM_001406626.1, NM_001406627.1, NM_001406628.1); c.-153C>G (NM_001406629.1, NM_001406630.1); short protein forms T263R, T314R, T193R.
Identifiers: ClinVar variation 2134646 (VCV002134646.4), dbSNP rs373454700, ClinGen allele CA375368709.